The following is an entry in ClinVar:

NM_000465.4(BARD1):c.2254C>G (p.Gln752Glu)

Gene: BARD1 (BRCA1 associated RING domain 1; minus strand). Cytogenetic location: 2q35.
Variant type: single nucleotide variant.
Coding change: c.2254C>G on transcript NM_000465.4 (MANE Select); coding-DNA position 2254, C replaced by G.
Protein change: p.Gln752Glu; replaces glutamine 752 with glutamic acid.
Molecular consequence: missense variant. On other transcripts: non-coding transcript variant (3).
Genome position (GRCh38, 1-based): chr2:214,728,756, G>C on the plus strand (C>G on the coding strand, the complement: BARD1 is on the minus strand). VCF-style: chr2-214728756-G-C. GRCh37 (hg19) VCF-style: chr2-215593480-G-C.
Other names: c.2197C>G, p.Gln733Glu (NM_001282543.2); c.901C>G, p.Gln301Glu (NM_001282545.2); c.844C>G, p.Gln282Glu (NM_001282548.2); c.715C>G, p.Gln239Glu (NM_001282549.2); short protein forms Q282E, Q733E, Q239E, Q752E, Q301E.
Identifiers: ClinVar variation 949838 (VCV000949838.10), dbSNP rs1692198935, ClinGen allele CA350449985.

ClinVar aggregate classification (germline): Uncertain significance (1 of 4 stars; one submission).

Conditions:
Familial cancer of breast. Also called: BREAST CANCER, FAMILIAL; Hereditary breast cancer; hereditary breast carcinoma. Identifiers: Orphanet 227535, MedGen C0346153, MONDO:0016419, OMIM 114480. Disease mechanism: loss of function.

Submission:

Labcorp Genetics (formerly Invitae), Labcorp
Classification: Uncertain significance for Familial cancer of breast. Last evaluated: 2019-06-28. Review status: criteria provided, single submitter. Criteria: Invitae Variant Classification Sherloc (09022015). Collection method: clinical testing. Allele origin: germline.
Comment: This sequence change replaces glutamine with glutamic acid at codon 752 of the BARD1 protein (p.Gln752Glu). The glutamine residue is highly conserved and there is a small physicochemical difference between glutamine and glutamic acid. In summary, the available evidence is currently insufficient to determine the role of this variant in disease. Therefore, it has been classified as a Variant of Uncertain Significance. Algorithms developed to predict the effect of missense changes on protein structure and function are either unavailable or do not agree on the potential impact of this missense change (SIFT: "Deleterious"; PolyPhen-2: "Benign"; Align-GVGD: "Class C0"). This variant has not been reported in the literature in individuals with BARD1-related conditions. This variant is not present in population databases (ExAC no frequency).